The following is an entry in ClinVar:

NM_080473.5(GATA5):c.1121C>T (p.Thr374Met)

Gene: GATA5 (GATA binding protein 5; minus strand). Cytogenetic location: 20q13.33.
Variant type: single nucleotide variant.
Coding change: c.1121C>T on transcript NM_080473.5 (MANE Select); coding-DNA position 1121, C replaced by T.
Protein change: p.Thr374Met; replaces threonine 374 with methionine.
Molecular consequence: missense variant.
Genome position (GRCh38, 1-based): chr20:62,464,909, G>A on the plus strand (C>T on the coding strand, the complement: GATA5 is on the minus strand). VCF-style: chr20-62464909-G-A. GRCh37 (hg19) VCF-style: chr20-61039965-G-A.
Other names: c.1121C>T (NM_080473.4); short protein forms T374M.
Identifiers: ClinVar variation 1483225 (VCV001483225.10), dbSNP rs202078502, ClinGen allele CA9946033.

ClinVar aggregate classification (germline): Uncertain significance. Review status: criteria provided, multiple submitters, no conflicts (2 of 4 stars). 3 submissions from 3 submitters: Uncertain significance (3). Last evaluated 2025-12-08.

Allele frequency attached by ClinVar (database versions not stated): TOPMed 0.00008; 1000 Genomes Project 30x 0.00047.
gnomAD v4.1: 49 of 1,611,218 alleles (0.003%); highest among the groups gnomAD compares: Admixed American, 0.022%; no homozygotes.

Submissions (3):

Labcorp Genetics (formerly Invitae), Labcorp
Classification: Uncertain significance. Last evaluated: 2025-12-08. Review status: criteria provided, single submitter. Criteria: Invitae Variant Classification Sherloc (09022015). Collection method: clinical testing. Allele origin: germline.
Comment: This sequence change replaces threonine, which is neutral and polar, with methionine, which is neutral and non-polar, at codon 374 of the GATA5 protein (p.Thr374Met). This variant is present in population databases (rs202078502, gnomAD 0.01%). This variant has not been reported in the literature in individuals affected with GATA5-related conditions. ClinVar contains an entry for this variant (Variation ID: 1483225). An algorithm developed to predict the effect of missense changes on protein structure and function outputs the following: PolyPhen-2: "Benign". The methionine amino acid residue is found in multiple mammalian species, which suggests that this missense change does not adversely affect protein function. In summary, the available evidence is currently insufficient to determine the role of this variant in disease. Therefore, it has been classified as a Variant of Uncertain Significance.

GeneDx
Classification: Uncertain significance. Last evaluated: 2022-11-18. Review status: criteria provided, single submitter. Criteria: GeneDx Variant Classification Process June 2021. Collection method: clinical testing. Allele origin: germline. Affected: yes.
Comment: Has not been previously published as pathogenic or benign to our knowledge; In silico analysis supports that this missense variant does not alter protein structure/function

Ambry Genetics
Classification: Uncertain significance. Last evaluated: 2021-08-13. Review status: criteria provided, single submitter. Criteria: Ambry Variant Classification Scheme 2023. Collection method: clinical testing. Allele origin: germline.